The following is an entry in ClinVar:

ClinVar aggregate classification (germline): Conflicting classifications of pathogenicity. Review status: criteria provided, conflicting classifications (1 of 4 stars). 6 submissions from 6 submitters: Uncertain significance (5); Likely benign (1). Last evaluated 2026-02-03.

Conditions:
Hereditary cancer-predisposing syndrome. Also called: Tumor predisposition; Hereditary Cancer Syndrome; Hereditary neoplastic syndrome; Neoplastic Syndromes, Hereditary. Identifiers: Orphanet 140162, MedGen C0027672, MeSH D009386, MONDO:0015356.
Familial adenomatous polyposis 3. Also called: NTHL1-associated polyposis; NTHL1 Tumor Syndrome; NTHL1-Related Adenomatous Polyposis and Colorectal Cancer; NTHL1-related attenuated familial adenomatous polyposis. Identifiers: Orphanet 220460, Orphanet 454840, MedGen C4225157, MONDO:0014630, OMIM 616415.

Allele frequency attached by ClinVar (database versions not stated): gnomAD below 0.00001 and 0.00001; gnomAD exomes below 0.00001 and 0.00001.
gnomAD v4.1: 7 of 1,605,830 alleles (0.00044%); highest among the groups gnomAD compares: East Asian, 0.0022%; no homozygotes.

Submissions (6):

Labcorp Genetics (formerly Invitae), Labcorp
Classification: Uncertain significance. Last evaluated: 2026-02-03. Review status: criteria provided, single submitter. Criteria: Invitae Variant Classification Sherloc (09022015). Collection method: clinical testing. Allele origin: germline.
Comment: This sequence change replaces histidine, which is basic and polar, with aspartic acid, which is acidic and polar, at codon 52 of the NTHL1 protein (p.His52Asp). This variant is present in population databases (rs374988261, gnomAD 0.003%). This variant has not been reported in the literature in individuals affected with NTHL1-related conditions. ClinVar contains an entry for this variant (Variation ID: 819488). An algorithm developed to predict the effect of missense changes on protein structure and function (PolyPhen-2) suggests that this variant is likely to be tolerated. In summary, the available evidence is currently insufficient to determine the role of this variant in disease. Therefore, it has been classified as a Variant of Uncertain Significance.

Center for Genomic Medicine, Rigshospitalet, Copenhagen University Hospital
Classification: Uncertain significance. Last evaluated: 2025-12-29. Review status: criteria provided, single submitter. Criteria: ACMG Guidelines, 2015. Collection method: clinical testing. Allele origin: germline.

Molecular Pathology, Peter Maccallum Cancer Centre
Classification: Uncertain significance for Familial adenomatous polyposis 3. Last evaluated: 2024-05-07. Review status: criteria provided, single submitter. Criteria: ACMG Guidelines, 2015. Collection method: clinical testing. Allele origin: germline. Inheritance: Autosomal recessive inheritance.

Ambry Genetics
Classification: Likely benign for Hereditary cancer-predisposing syndrome. Last evaluated: 2024-03-22. Review status: criteria provided, single submitter. Criteria: Ambry Variant Classification Scheme 2023. Collection method: clinical testing. Allele origin: germline.

Fulgent Genetics
Classification: Uncertain significance for Familial adenomatous polyposis 3. Last evaluated: 2024-01-18. Review status: criteria provided, single submitter. Criteria: ACMG Guidelines, 2015. Collection method: clinical testing. Allele origin: germline.

GeneDx
Classification: Uncertain significance. Last evaluated: 2022-12-08. Review status: criteria provided, single submitter. Criteria: GeneDx Variant Classification Process June 2021. Collection method: clinical testing. Allele origin: germline. Affected: yes.
Comment: Not observed at significant frequency in large population cohorts (gnomAD); In silico analysis supports that this missense variant does not alter protein structure/function; Observed in an individual with early-onset colorectal cancer (Toh et al., 2018); This variant is associated with the following publications: (PMID: 31360874)

NM_002528.7(NTHL1):c.130C>G (p.His44Asp)

Gene: NTHL1 (nth like DNA glycosylase 1; minus strand). Cytogenetic location: 16p13.3.
Variant type: single nucleotide variant.
Coding change: c.130C>G on transcript NM_002528.7 (MANE Select); coding-DNA position 130, C replaced by G.
Protein change: p.His44Asp; replaces histidine 44 with aspartic acid.
Molecular consequence: missense variant. On other transcripts: 5 prime UTR variant (1).
Genome position (GRCh38, 1-based): chr16:2,046,352, G>C on the plus strand (C>G on the coding strand, the complement: NTHL1 is on the minus strand). VCF-style: chr16-2046352-G-C. GRCh37 (hg19) VCF-style: chr16-2096353-G-C.
Other names: c.130C>G, p.His44Asp (NM_001318193.2); c.-49C>G (NM_001318194.2); short protein forms H44D.
Identifiers: ClinVar variation 819488 (VCV000819488.17), dbSNP rs374988261, ClinGen allele CA276765719.